The following is an entry in ClinVar:

NM_000784.4(CYP27A1):c.1360C>A (p.Gln454Lys)

Gene: CYP27A1 (cytochrome P450 family 27 subfamily A member 1; plus strand). Cytogenetic location: 2q35.
Variant type: single nucleotide variant.
Coding change: c.1360C>A on transcript NM_000784.4 (MANE Select); coding-DNA position 1360, C replaced by A.
Protein change: p.Gln454Lys; replaces glutamine 454 with lysine.
Molecular consequence: missense variant.
Genome position (GRCh38, 1-based): chr2:218,814,641, C>A. VCF-style: chr2-218814641-C-A. GRCh37 (hg19) VCF-style: chr2-219679364-C-A.
Other names: short protein forms Q454K.
Identifiers: ClinVar variation 4869574 (VCV004869574.1).
Genomic context (GRCh38, chr2:218,814,641, plus strand): 5'-GACCCCACTGCCTTCTCTGAGCCTGAAAGCTTCCAGCCCCACCGCTGGCTGAGAAACAGC[C>A]AGCCTGCTACCCCCAGGATCCAGCACCCATTTGGCTCTGTGCCCTTTGGCTATGGGGTCC-3'
Protein context (NP_000775.1, residues 444-464): FQPHRWLRNS[Gln454Lys]PATPRIQHPF

ClinVar aggregate classification (germline): Uncertain significance (1 of 4 stars; one submission).

Conditions:
Cardiovascular phenotype. Identifiers: MedGen CN230736.

Submission:

Ambry Genetics
Classification: Uncertain significance for Cardiovascular phenotype. Last evaluated: 2026-04-18. Review status: criteria provided, single submitter. Criteria: Ambry Variant Classification Scheme 2023. Collection method: clinical testing. Allele origin: germline.
Comment: The p.Q454K variant (also known as c.1360C>A), located in coding exon 8 of the CYP27A1 gene, results from a C to A substitution at nucleotide position 1360. The glutamine at codon 454 is replaced by lysine, an amino acid with similar properties. This amino acid position is conserved. In addition, this alteration is predicted to be tolerated by in silico analysis. Based on the available evidence, the clinical significance of this variant remains unclear.